The following is an entry in ClinVar:

NM_031844.3(HNRNPU):c.127G>C (p.Asp43His)

Gene: HNRNPU (heterogeneous nuclear ribonucleoprotein U; minus strand). Cytogenetic location: 1q44.
Variant type: single nucleotide variant.
Coding change: c.127G>C on transcript NM_031844.3 (MANE Select); coding-DNA position 127, G replaced by C.
Protein change: p.Asp43His; replaces aspartic acid 43 with histidine.
Molecular consequence: missense variant.
Genome position (GRCh38, 1-based): chr1:244,864,181, C>G on the plus strand (G>C on the coding strand, the complement: HNRNPU is on the minus strand). VCF-style: chr1-244864181-C-G. GRCh37 (hg19) VCF-style: chr1-245027483-C-G.
Other names: c.127G>C, p.Asp43His (NM_004501.3); c.127G>C (NM_031844.2); short protein forms D43H.
Identifiers: ClinVar variation 3683480 (VCV003683480.3).

ClinVar aggregate classification (germline): Uncertain significance. Review status: criteria provided, multiple submitters, no conflicts (2 of 4 stars). 2 submissions from 2 submitters: Uncertain significance (2). Last evaluated 2024-12-03.

Conditions:
Developmental and epileptic encephalopathy, 54. Also called: HNRNPU-Related Neurodevelopmental Disorder; Epileptic encephalopathy, early infantile, 54. Identifiers: MedGen C4479319, MONDO:0033363, OMIM 617391.

Submissions (2):

GeneDx
Classification: Uncertain significance. Last evaluated: 2024-12-03. Review status: criteria provided, single submitter. Criteria: GeneDx Variant Classification Process June 2021. Collection method: clinical testing. Allele origin: germline. Affected: yes.
Comment: Not observed at significant frequency in large population cohorts (gnomAD); In silico analysis indicates that this missense variant does not alter protein structure/function; Has not been previously published as pathogenic or benign to our knowledge

Labcorp Genetics (formerly Invitae), Labcorp
Classification: Uncertain significance for Developmental and epileptic encephalopathy, 54. Last evaluated: 2024-03-06. Review status: criteria provided, single submitter. Criteria: Invitae Variant Classification Sherloc (09022015). Collection method: clinical testing. Allele origin: germline.
Comment: This sequence change replaces aspartic acid, which is acidic and polar, with histidine, which is basic and polar, at codon 43 of the HNRNPU protein (p.Asp43His). This variant is not present in population databases (gnomAD no frequency). This variant has not been reported in the literature in individuals affected with HNRNPU-related conditions. An algorithm developed to predict the effect of missense changes on protein structure and function (PolyPhen-2) suggests that this variant is likely to be disruptive. In summary, the available evidence is currently insufficient to determine the role of this variant in disease. Therefore, it has been classified as a Variant of Uncertain Significance.